The following is an entry in ClinVar:

NM_001267550.2(TTN):c.101845A>G (p.Thr33949Ala)

Genes: TTN (titin; minus strand), TTN-AS1 (TTN antisense RNA 1; plus strand). Cytogenetic location: 2q31.2.
Variant type: single nucleotide variant.
Coding change: c.101845A>G on transcript NM_001267550.2 (MANE Select); coding-DNA position 101845, A replaced by G.
Protein change: p.Thr33949Ala; replaces threonine 33949 with alanine.
Molecular consequence: missense variant.
Genome position (GRCh38, 1-based): chr2:178,534,770, T>C on the plus strand (A>G on the coding strand, the complement: TTN is on the minus strand). VCF-style: chr2-178534770-T-C. GRCh37 (hg19) VCF-style: chr2-179399497-T-C.
Other names: c.96922A>G, p.Thr32308Ala (NM_001256850.1); c.74650A>G, p.Thr24884Ala (NM_003319.4); c.94141A>G, p.Thr31381Ala (NM_133378.4); c.75025A>G, p.Thr25009Ala (NM_133432.3); c.75226A>G, p.Thr25076Ala (NM_133437.4); short protein forms T25009A, T25076A, T33949A, T32308A, T24884A, T31381A.
Identifiers: ClinVar variation 2004488 (VCV002004488.4), dbSNP rs2468548207, ClinGen allele CA349419220.
Genomic context (GRCh38, chr2:178,534,770, plus strand): 5'-CTGGTTTCAGCTGACGGGCTTGACCAAATTCTATGATTTTAATGGTAGAGCTTCTTCTGG[T>C]TTGGTAAATGATATTTTCTGGTCTAATGTCAAAGTGTCCAATATTATGACTGTGTAAAAA-3'
Protein context (NP_001254479.2, residues 33939-33959): DIRPENIIYQ[Thr33949Ala]RRSSTIKIIE

ClinVar aggregate classification (germline): Uncertain significance (1 of 4 stars; one submission).

Conditions:
Dilated cardiomyopathy 1G (CMD1G). Identifiers: Orphanet 154, MedGen C1858763, MONDO:0011400, OMIM 604145.
Autosomal recessive limb-girdle muscular dystrophy type 2J (LGMDR10). Also called: MUSCULAR DYSTROPHY, LIMB-GIRDLE, AUTOSOMAL RECESSIVE 10; Limb-girdle muscular dystrophy, type 2J. Identifiers: Orphanet 140922, MedGen C1837342, MONDO:0012127, OMIM 608807.

Submission:

Labcorp Genetics (formerly Invitae), Labcorp
Classification: Uncertain significance for Dilated cardiomyopathy 1G; Autosomal recessive limb-girdle muscular dystrophy type 2J. Last evaluated: 2022-06-10. Review status: criteria provided, single submitter. Criteria: Invitae Variant Classification Sherloc (09022015). Collection method: clinical testing. Allele origin: germline.
Comment: This variant is located in the M band of TTN (PMID: 25589632). Variants in this region may be relevant for neuromuscular disorders, but have not been definitively shown to cause cardiomyopathy (PMID: 23975875). In summary, the available evidence is currently insufficient to determine the role of this variant in disease. Therefore, it has been classified as a Variant of Uncertain Significance. Experimental studies and prediction algorithms are not available or were not evaluated, and the functional significance of this variant is currently unknown. This variant has not been reported in the literature in individuals affected with TTN-related conditions. This variant is not present in population databases (gnomAD no frequency). This sequence change replaces threonine, which is neutral and polar, with alanine, which is neutral and non-polar, at codon 33949 of the TTN protein (p.Thr33949Ala).

Literature cited by the submitters: PubMed 25589632; PubMed 23975875.